The following is an entry in ClinVar:

NM_017780.4(CHD7):c.3923G>A (p.Arg1308Lys)

Gene: CHD7 (chromodomain helicase DNA binding protein 7; plus strand). Cytogenetic location: 8q12.2.
Variant type: single nucleotide variant.
Coding change: c.3923G>A on transcript NM_017780.4 (MANE Select); coding-DNA position 3923, G replaced by A.
Protein change: p.Arg1308Lys; replaces arginine 1308 with lysine.
Molecular consequence: missense variant. On other transcripts: intron variant (1).
Genome position (GRCh38, 1-based): chr8:60,836,217, G>A. VCF-style: chr8-60836217-G-A. GRCh37 (hg19) VCF-style: chr8-61748776-G-A.
Other names: c.1717-26012G>A (NM_001316690.1); short protein forms R1308K.
Identifiers: ClinVar variation 4742965 (VCV004742965.1).
Genomic context (GRCh38, chr8:60,836,217, plus strand): 5'-CTGCTGGCAAGCTAGTGCTGATTGACAAGCTGCTGCCAAAACTGAAGGCTGGTGGCCACA[G>A]GGTGCTTATCTTTTCCCAGATGGTGCGCTGCTTGGACATACTGGAAGACTACCTCATTCA-3'
Protein context (NP_060250.2, residues 1298-1318): LLPKLKAGGH[Arg1308Lys]VLIFSQMVRC

ClinVar aggregate classification (germline): Uncertain significance (1 of 4 stars; one submission).

Conditions:
CHARGE syndrome (CHARGE). Also called: Hittner Hirsch Kreh syndrome; CHARGE ASSOCIATION--COLOBOMA, HEART ANOMALY, CHOANAL ATRESIA, RETARDATION, GENITAL AND EAR ANOMALIES; Coloboma, heart anomaly, choanal atresia, retardation, genital and ear anomalies; CHARGE association; Hall-Hittner syndrome. Identifiers: Orphanet 138, MedGen C0265354, MONDO:0008965.

Submission:

Labcorp Genetics (formerly Invitae), Labcorp
Classification: Uncertain significance for CHARGE syndrome. Last evaluated: 2025-09-15. Review status: criteria provided, single submitter. Criteria: Invitae Variant Classification Sherloc (09022015). Collection method: clinical testing. Allele origin: germline.
Comment: This sequence change replaces arginine, which is basic and polar, with lysine, which is basic and polar, at codon 1308 of the CHD7 protein (p.Arg1308Lys). This variant is not present in population databases (gnomAD no frequency). This variant has not been reported in the literature in individuals affected with CHD7-related conditions. Invitae Evidence Modeling of protein sequence and biophysical properties (such as structural, functional, and spatial information, amino acid conservation, physicochemical variation, residue mobility, and thermodynamic stability) indicates that this missense variant is not expected to disrupt CHD7 protein function with a negative predictive value of 95%. In summary, the available evidence is currently insufficient to determine the role of this variant in disease. Therefore, it has been classified as a Variant of Uncertain Significance.